The following is an entry in ClinVar:

ClinVar aggregate classification (germline): Uncertain significance (1 of 4 stars; one submission).

gnomAD v4.1: 10 of 1,613,558 alleles (0.00062%); highest among the groups gnomAD compares: East Asian, 0.022%; no homozygotes.

Submission:

Labcorp Genetics (formerly Invitae), Labcorp
Classification: Uncertain significance. Last evaluated: 2025-08-01. Review status: criteria provided, single submitter. Criteria: Invitae Variant Classification Sherloc (09022015). Collection method: clinical testing. Allele origin: germline.
Comment: This sequence change replaces arginine, which is basic and polar, with serine, which is neutral and polar, at codon 329 of the GP6 protein (p.Arg329Ser). This variant is not present in population databases (gnomAD no frequency). This variant has not been reported in the literature in individuals affected with GP6-related conditions. An algorithm developed to predict the effect of missense changes on protein structure and function (PolyPhen-2) suggests that this variant is likely to be disruptive. In summary, the available evidence is currently insufficient to determine the role of this variant in disease. Therefore, it has been classified as a Variant of Uncertain Significance.

NM_016363.5(GP6):c.983G>T (p.Gly328Val)

Gene: GP6 (glycoprotein VI platelet; minus strand). Cytogenetic location: 19q13.42.
Variant type: single nucleotide variant.
Coding change: c.983G>T on transcript NM_016363.5 (MANE Select); coding-DNA position 983, G replaced by T.
Protein change: p.Gly328Val; replaces glycine 328 with valine.
Molecular consequence: missense variant.
Genome position (GRCh38, 1-based): chr19:55,014,958, C>A on the plus strand (G>T on the coding strand, the complement: GP6 is on the minus strand). VCF-style: chr19-55014958-C-A. GRCh37 (hg19) VCF-style: chr19-55526326-C-A.
Other names: c.987G>T, p.Arg329Ser (NM_001083899.2); c.929G>T, p.Gly310Val (NM_001256017.2); short protein forms G310V, G328V, R329S.
Identifiers: ClinVar variation 4804578 (VCV004804578.1).